The following is an entry in ClinVar:

ClinVar aggregate classification (germline): Conflicting classifications of pathogenicity. Review status: criteria provided, conflicting classifications (1 of 4 stars). 4 submissions from 4 submitters: Likely pathogenic (1); Uncertain significance (2). 1 of the submissions does not count toward it. Last evaluated 2024-11-08.

Conditions:
Occult macular dystrophy (OCMD). Also called: OCCULT MACULAR DYSTROPHY, SUSCEPTIBILITY TO; OMD. Identifiers: Orphanet 247834, MedGen C3150833, MONDO:0013316, OMIM 613587, HP:0030636.
Retinitis pigmentosa 88. Identifiers: MedGen C5394208, MONDO:0032940, OMIM 618826.
Retinal dystrophy. Also called: Inherited retinal dystrophy. Identifiers: Orphanet 71862, MedGen C0854723, MeSH D058499, MONDO:0019118, HP:0000556.

Allele frequency attached by ClinVar (database versions not stated): gnomAD 0.00003; gnomAD exomes 0.00005 and 0.00007; ExAC 0.00007; ESP Exome Variant Server 0.00008.
gnomAD v4.1: 74 of 1,613,154 alleles (0.0046%); highest among the groups gnomAD compares: Middle Eastern, 0.016%; 1 homozygote.

Submissions (4):

Blueprint Genetics
Classification: Uncertain significance. Last evaluated: 2024-11-08. Review status: criteria provided, single submitter. Criteria: ACMG Guidelines, 2015. Collection method: clinical testing. Allele origin: germline.

Department of Pathology and Laboratory Medicine, Sinai Health System
Classification: Likely pathogenic for Occult macular dystrophy; Retinitis pigmentosa 88. Last evaluated: 2023-07-05. Review status: criteria provided, single submitter. Criteria: ACMG Guidelines, 2015. Collection method: research. Allele origin: germline.

CeGaT Center for Human Genetics Tuebingen
Classification: Uncertain significance. Last evaluated: 2022-06-01. Review status: criteria provided, single submitter. Criteria: CeGaT Center For Human Genetics Tuebingen Variant Classification Criteria Version 2. Collection method: clinical testing. Allele origin: germline. Affected: yes. Observed: 4 variant alleles.
Comment: RP1L1: PM2, PVS1:Moderate

Institute of Human Genetics, Univ. Regensburg, Univ. Regensburg
Classification: Uncertain significance for Retinal dystrophy. Last evaluated: 2022-01-01. Review status: no assertion criteria provided. Criteria: ACMG Guidelines, 2015. Collection method: clinical testing. Allele origin: germline. Affected: yes. Not counted in ClinVar's aggregate classification.

NM_178857.6(RP1L1):c.6118G>T (p.Glu2040Ter)

Gene: RP1L1 (RP1 like 1). Cytogenetic location: 8p23.1.
Variant type: single nucleotide variant.
Coding change: c.6118G>T on transcript NM_178857.6 (MANE Select); coding-DNA position 6118, G replaced by T.
Protein change: p.Glu2040Ter; replaces glutamic acid 2040 with a stop codon.
Molecular consequence: nonsense.
Genome position (GRCh38, 1-based): chr8:10,607,980, C>A on the plus strand (G>T on the coding strand, the complement: RP1L1 is on the minus strand). VCF-style: chr8-10607980-C-A. GRCh37 (hg19) VCF-style: chr8-10465490-C-A.
Other names: short protein forms E2040*.
Identifiers: ClinVar variation 493468 (VCV000493468.49), dbSNP rs201774530, ClinGen allele CA4623444.